The following is an entry in ClinVar:

ClinVar aggregate classification (germline): Uncertain significance (1 of 4 stars; one submission).

Allele frequency attached by ClinVar (database versions not stated): gnomAD exomes below 0.00001; TOPMed 0.00001.
gnomAD v4.1: 3 of 1,613,358 alleles (0.00019%); highest among the groups gnomAD compares: Non-Finnish European, 0.00025%; no homozygotes.

Submission:

GeneDx
Classification: Uncertain significance. Last evaluated: 2019-12-03. Review status: criteria provided, single submitter. Criteria: GeneDx Variant Classification Process June 2021. Collection method: clinical testing. Allele origin: germline. Affected: yes.
Comment: Not observed at a significant frequency in large population cohorts (Lek et al., 2016); In silico analysis, which includes protein predictors and evolutionary conservation, supports that this variant does not alter protein structure/function; Has not been previously published as pathogenic or benign to our knowledge

NM_001271938.2(MEGF8):c.6021G>C (p.Glu2007Asp)

Gene: MEGF8 (multiple EGF like domains 8; plus strand). Cytogenetic location: 19q13.2.
Variant type: single nucleotide variant.
Coding change: c.6021G>C on transcript NM_001271938.2 (MANE Select); coding-DNA position 6021, G replaced by C.
Protein change: p.Glu2007Asp; replaces glutamic acid 2007 with aspartic acid.
Molecular consequence: missense variant.
Genome position (GRCh38, 1-based): chr19:42,362,560, G>C. VCF-style: chr19-42362560-G-C. GRCh37 (hg19) VCF-style: chr19-42866712-G-C.
Other names: c.5820G>C, p.Glu1940Asp (NM_001410.3); short protein forms E1940D, E2007D.
Identifiers: ClinVar variation 1209022 (VCV001209022.3), dbSNP rs1235208244, ClinGen allele CA406129537.